The following is an entry in ClinVar:

NM_000194.3(HPRT1):c.376A>G (p.Thr126Ala)

Gene: HPRT1 (hypoxanthine phosphoribosyltransferase 1; plus strand). Cytogenetic location: Xq26.2.
Variant type: single nucleotide variant.
Coding change: c.376A>G on transcript NM_000194.3 (MANE Select); coding-DNA position 376, A replaced by G.
Protein change: p.Thr126Ala; replaces threonine 126 with alanine.
Molecular consequence: missense variant.
Genome position (GRCh38, 1-based): chrX:134,486,522, A>G. VCF-style: chrX-134486522-A-G. GRCh37 (hg19) VCF-style: chrX-133620552-A-G.
Other names: short protein forms T126A.
Identifiers: ClinVar variation 4074705 (VCV004074705.1).

ClinVar aggregate classification (germline): Uncertain significance (1 of 4 stars; one submission).

Submission:

GeneDx
Classification: Uncertain significance. Last evaluated: 2025-02-11. Review status: criteria provided, single submitter. Criteria: GeneDx Variant Classification Process June 2021. Collection method: clinical testing. Allele origin: germline. Affected: yes.
Comment: Not observed at significant frequency in large population cohorts (gnomAD); In silico analysis indicates that this missense variant does not alter protein structure/function; Has not been previously published as pathogenic or benign to our knowledge